The following is an entry in ClinVar:

ClinVar aggregate classification (germline): Uncertain significance (1 of 4 stars; one submission).

Conditions:
Inborn genetic diseases. Identifiers: MedGen C0950123, MeSH D030342.

Submission:

Ambry Genetics
Classification: Uncertain significance for Inborn genetic diseases. Last evaluated: 2024-01-01. Review status: criteria provided, single submitter. Criteria: Ambry Variant Classification Scheme 2023. Collection method: clinical testing. Allele origin: germline.
Comment: The p.T658P variant (also known as c.1972A>C), located in coding exon 15 of the BUB1B gene, results from an A to C substitution at nucleotide position 1972. The threonine at codon 658 is replaced by proline, an amino acid with highly similar properties. This amino acid position is conserved. In addition, this alteration is predicted to be tolerated by in silico analysis. Since supporting evidence is limited at this time, the clinical significance of this alteration remains unclear.

NM_001211.6(BUB1B):c.1972A>C (p.Thr658Pro)

Gene: BUB1B (BUB1 mitotic checkpoint serine/threonine kinase B; plus strand). Cytogenetic location: 15q15.1.
Variant type: single nucleotide variant.
Coding change: c.1972A>C on transcript NM_001211.6 (MANE Select); coding-DNA position 1972, A replaced by C.
Protein change: p.Thr658Pro; replaces threonine 658 with proline.
Molecular consequence: missense variant.
Genome position (GRCh38, 1-based): chr15:40,206,421, A>C. VCF-style: chr15-40206421-A-C. GRCh37 (hg19) VCF-style: chr15-40498622-A-C.
Other names: short protein forms T658P.
Identifiers: ClinVar variation 3221370 (VCV003221370.1), dbSNP rs2542565131, ClinGen allele CA391692843.